The following is an entry in ClinVar:

ClinVar aggregate classification (germline): Uncertain significance (1 of 4 stars; one submission).

Submission:

Mayo Clinic Laboratories, Mayo Clinic
Classification: Uncertain significance. Last evaluated: 2022-11-28. Review status: criteria provided, single submitter. Criteria: ACMG Guidelines, 2015. Collection method: clinical testing. Allele origin: germline. Observed: 2 variant alleles.
Comment: PM2_supporting

NM_021023.6(CFHR3):c.832A>G (p.Asn278Asp)

Gene: CFHR3 (complement factor H related 3; plus strand). Cytogenetic location: 1q31.3.
Variant type: single nucleotide variant.
Coding change: c.832A>G on transcript NM_021023.6 (MANE Select); coding-DNA position 832, A replaced by G.
Protein change: p.Asn278Asp; replaces asparagine 278 with aspartic acid.
Molecular consequence: missense variant.
Genome position (GRCh38, 1-based): chr1:196,793,352, A>G. VCF-style: chr1-196793352-A-G. GRCh37 (hg19) VCF-style: chr1-196762482-A-G.
Other names: p.Asn278Asp; c.649A>G, p.Asn217Asp (NM_001166624.2); short protein forms N217D, N278D.
Identifiers: ClinVar variation 2682696 (VCV002682696.1), dbSNP rs2529661426, ClinGen allele CA344008097.